The following is an entry in ClinVar:

ClinVar aggregate classification (germline): Uncertain significance. Review status: criteria provided, multiple submitters, no conflicts (2 of 4 stars). 2 submissions from 2 submitters: Uncertain significance (2). Last evaluated 2025-08-25.

Conditions:
Inborn genetic diseases. Identifiers: MedGen C0950123, MeSH D030342.
RFT1-congenital disorder of glycosylation (CDG1N). Also called: CDG In; Congenital disorder of glycosylation type In; RFT1-CDG. Identifiers: Orphanet 244310, MedGen C2677590, MONDO:0012783, OMIM 612015.

Allele frequency attached by ClinVar (database versions not stated): gnomAD exomes below 0.00001.
gnomAD v4.1: 1 of 1,613,074 alleles (0.000062%); highest among the groups gnomAD compares: Non-Finnish European, 0.000085%; no homozygotes.

Submissions (2):

Ambry Genetics
Classification: Uncertain significance for Inborn genetic diseases. Last evaluated: 2025-08-25. Review status: criteria provided, single submitter. Criteria: Ambry Variant Classification Scheme 2023. Collection method: clinical testing. Allele origin: germline.

Labcorp Genetics (formerly Invitae), Labcorp
Classification: Uncertain significance for RFT1-congenital disorder of glycosylation. Last evaluated: 2022-03-19. Review status: criteria provided, single submitter. Criteria: Invitae Variant Classification Sherloc (09022015). Collection method: clinical testing. Allele origin: germline.
Comment: This variant is not present in population databases (gnomAD no frequency). This variant has not been reported in the literature in individuals affected with RFT1-related conditions. Algorithms developed to predict the effect of missense changes on protein structure and function are either unavailable or do not agree on the potential impact of this missense change (SIFT: "Deleterious"; PolyPhen-2: "Probably Damaging"; Align-GVGD: "Class C0"). Algorithms developed to predict the effect of sequence changes on RNA splicing suggest that this variant may create or strengthen a splice site. In summary, the available evidence is currently insufficient to determine the role of this variant in disease. Therefore, it has been classified as a Variant of Uncertain Significance. This sequence change replaces proline, which is neutral and non-polar, with serine, which is neutral and polar, at codon 217 of the RFT1 protein (p.Pro217Ser).

NM_052859.4(RFT1):c.649C>T (p.Pro217Ser)

Gene: RFT1 (RFT1 glycolipid translocator homolog; minus strand). Cytogenetic location: 3p21.1.
Variant type: single nucleotide variant.
Coding change: c.649C>T on transcript NM_052859.4 (MANE Select); coding-DNA position 649, C replaced by T.
Protein change: p.Pro217Ser; replaces proline 217 with serine.
Molecular consequence: missense variant.
Genome position (GRCh38, 1-based): chr3:53,119,931, G>A on the plus strand (C>T on the coding strand, the complement: RFT1 is on the minus strand). VCF-style: chr3-53119931-G-A. GRCh37 (hg19) VCF-style: chr3-53153947-G-A.
Other names: c.649C>T (NM_052859.3); short protein forms P217S.
Identifiers: ClinVar variation 1469361 (VCV001469361.9), dbSNP rs2107157216, ClinGen allele CA353220401.